The following is an entry in ClinVar:

ClinVar aggregate classification (germline): Uncertain significance (1 of 4 stars; one submission).

Submission:

Labcorp Genetics (formerly Invitae), Labcorp
Classification: Uncertain significance. Last evaluated: 2025-06-17. Review status: criteria provided, single submitter. Criteria: Invitae Variant Classification Sherloc (09022015). Collection method: clinical testing. Allele origin: germline.
Comment: This sequence change creates a premature translational stop signal (p.Glu1201Argfs*87) in the MYH7B gene. It is expected to result in an absent or disrupted protein product. However, the current clinical and genetic evidence is not sufficient to establish whether loss-of-function variants in MYH7B cause disease. This variant is not present in population databases (gnomAD no frequency). This variant has not been reported in the literature in individuals affected with MYH7B-related conditions. In summary, the available evidence is currently insufficient to determine the role of this variant in disease. Therefore, it has been classified as a Variant of Uncertain Significance.

NM_020884.7(MYH7B):c.3475del (p.Glu1159fs)

Gene: MYH7B (myosin heavy chain 7B; plus strand). Cytogenetic location: 20q11.22.
Variant type: Deletion.
Coding change: c.3475del on transcript NM_020884.7 (MANE Select); coding-DNA position 3475, one base deleted (G; older notation c.3475delG).
Protein change: p.Glu1159fs; shifts the reading frame from glutamic acid 1159.
Molecular consequence: frameshift variant.
Genome position (GRCh38, 1-based): chr20:34,997,368, G deleted; the last of 2 consecutive G bases (chr20:34,997,367-34,997,368); deleting either gives the same sequence. VCF-style (leftmost placement, unchanged base first): chr20-34997366-AG-A. GRCh37 (hg19) VCF-style: chr20-33585169-AG-A.
Other names: short protein forms E1159fs.
Identifiers: ClinVar variation 4771433 (VCV004771433.1).